The following is an entry in ClinVar:

NM_000441.2(SLC26A4):c.750del (p.Leu251fs)

Gene: SLC26A4 (solute carrier family 26 member 4; plus strand). Cytogenetic location: 7q22.3.
Variant type: Deletion.
Coding change: c.750del on transcript NM_000441.2 (MANE Select); coding-DNA position 750, one base deleted (T; older notation c.750delT).
Protein change: p.Leu251fs; shifts the reading frame from leucine 251.
Molecular consequence: frameshift variant.
Genome position (GRCh38, 1-based): chr7:107,675,094, T deleted; the last of 2 consecutive T bases (chr7:107,675,093-107,675,094); deleting either gives the same sequence. VCF-style (leftmost placement, unchanged base first): chr7-107675092-GT-G. GRCh37 (hg19) VCF-style: chr7-107315537-GT-G.
Other names: short protein forms L251fs.
Identifiers: ClinVar variation 3601780 (VCV003601780.1).

ClinVar aggregate classification (germline): Pathogenic (1 of 4 stars; one submission).

Conditions:
Autosomal recessive nonsyndromic hearing loss 4 (DFNB4). Also called: Deafness, autosomal recessive 4; FOXI1-Related Pendred Syndrome; KCNJ10-Related Pendred Syndrome; DEAFNESS, AUTOSOMAL RECESSIVE 4, WITH ENLARGED VESTIBULAR AQUEDUCT, DIGENIC; NEUROSENSORY NONSYNDROMIC RECESSIVE DEAFNESS 4; Nonsyndromic enlarged vestibular aqueduct (NSEVA). Identifiers: Orphanet 90636, MedGen C3538946, MONDO:0010933, OMIM 600791.

Submission:

Institute of Rare Diseases, West China Hospital, Sichuan University
Classification: Pathogenic for Autosomal recessive nonsyndromic hearing loss 4. Last evaluated: 2025-01-09. Review status: criteria provided, single submitter. Criteria: ClinGen HL ACMG Specifications v1. Collection method: research. Allele origin: germline. Affected: yes.
Comment: PVS1;PM3;PM2_Supporting